The following is an entry in ClinVar:

ClinVar aggregate classification (germline): Benign. Review status: criteria provided, multiple submitters, no conflicts (2 of 4 stars). 3 submissions from 3 submitters: Benign (2). 1 of the submissions does not count toward it. Last evaluated 2019-12-31.

Conditions:
TRPV3-related disorder. Also called: TRPV3-related condition.
Isolated focal non-epidermolytic palmoplantar keratoderma. Also called: Palmoplantar keratoderma, nonepidermolytic, focal 2. Identifiers: Orphanet 448264, MedGen C4225339, MONDO:0014622, OMIM 616400.

Allele frequency attached by ClinVar (database versions not stated): ESP Exome Variant Server 0.00008; gnomAD 0.00088 and 0.00163; TOPMed 0.00172; gnomAD exomes 0.00414; ExAC 0.00449; 1000 Genomes Project 30x 0.00843; 1000 Genomes Project 0.00938.
gnomAD v4.1: 2,605 of 1,612,838 alleles (0.16%); highest among the groups gnomAD compares: East Asian, 2.3%; 50 homozygotes.

Submissions (3):

Labcorp Genetics (formerly Invitae), Labcorp
Classification: Benign. Last evaluated: 2019-12-31. Review status: criteria provided, single submitter. Criteria: Invitae Variant Classification Sherloc (09022015). Collection method: clinical testing. Allele origin: germline.

Illumina Laboratory Services, Illumina
Classification: Benign for Isolated focal non-epidermolytic palmoplantar keratoderma. Last evaluated: 2018-01-13. Review status: criteria provided, single submitter. Criteria: ICSL Variant Classification Criteria 13 December 2019. Collection method: clinical testing. Allele origin: germline.
Comment: This variant was observed in the ICSL laboratory as part of a predisposition screen in an ostensibly healthy population. It had not been previously curated by ICSL or reported in the Human Gene Mutation Database (HGMD: prior to June 1st, 2018), and was therefore a candidate for classification through an automated scoring system. Utilizing variant allele frequency, disease prevalence and penetrance estimates, and inheritance mode, an automated score was calculated to assess if this variant is too frequent to cause the disease. Based on the score and internal cut-off values, a variant classified as benign is not then subjected to further curation. The score for this variant resulted in a classification of benign for this disease.

PreventionGenetics, part of Exact Sciences
Classification: Benign for TRPV3-related condition. Last evaluated: 2024-05-16. Review status: no assertion criteria provided. Collection method: clinical testing. Allele origin: germline. Not counted in ClinVar's aggregate classification.
Comment: This variant is classified as benign based on ACMG/AMP sequence variant interpretation guidelines (Richards et al. 2015 PMID: 25741868, with internal and published modifications).

NM_145068.4(TRPV3):c.72C>T (p.Ala24=)

Gene: TRPV3 (transient receptor potential cation channel subfamily V member 3; minus strand). Cytogenetic location: 17p13.2.
Variant type: single nucleotide variant.
Coding change: c.72C>T on transcript NM_145068.4 (MANE Select); coding-DNA position 72, C replaced by T.
Protein change: p.Ala24=; no amino-acid change (alanine 24 retained).
Molecular consequence: synonymous variant.
Genome position (GRCh38, 1-based): chr17:3,554,779, G>A on the plus strand (C>T on the coding strand, the complement: TRPV3 is on the minus strand). VCF-style: chr17-3554779-G-A. GRCh37 (hg19) VCF-style: chr17-3458073-G-A.
Other names: c.72C>T, p.Ala24= (NM_001258205.2).
Identifiers: ClinVar variation 322800 (VCV000322800.10), dbSNP rs116068630, ClinGen allele CA8290034.